The following is an entry in ClinVar:

ClinVar aggregate classification (germline): Uncertain significance (1 of 4 stars; one submission).

Conditions:
Dyskeratosis congenita, autosomal dominant 2. Identifiers: MedGen C3151443, MONDO:0013521, OMIM 613989.
Idiopathic Pulmonary Fibrosis. Also called: Idiopathic fibrosing alveolitis, chronic form; idiopathic fibrosing alveolitis. Identifiers: Orphanet 2032, MedGen C1800706, MeSH D054990, MONDO:0800504.

gnomAD v4.1: 5 of 1,614,030 alleles (0.00031%); highest among the groups gnomAD compares: Non-Finnish European, 0.00042%; no homozygotes.

Submission:

Labcorp Genetics (formerly Invitae), Labcorp
Classification: Uncertain significance for Dyskeratosis congenita, autosomal dominant 2; Idiopathic Pulmonary Fibrosis. Last evaluated: 2025-04-14. Review status: criteria provided, single submitter. Criteria: Invitae Variant Classification Sherloc (09022015). Collection method: clinical testing. Allele origin: germline.
Comment: This sequence change falls in intron 12 of the TERT gene. It does not directly change the encoded amino acid sequence of the TERT protein. It affects a nucleotide within the consensus splice site. This variant is not present in population databases (gnomAD no frequency). This variant has not been reported in the literature in individuals affected with TERT-related conditions. Variants that disrupt the consensus splice site are a relatively common cause of aberrant splicing (PMID: 17576681, 9536098). Algorithms developed to predict the effect of sequence changes on RNA splicing suggest that this variant may disrupt the consensus splice site. In summary, the available evidence is currently insufficient to determine the role of this variant in disease. Therefore, it has been classified as a Variant of Uncertain Significance.

Literature cited by the submitters: PubMed 17576681; PubMed 9536098.

NM_198253.3(TERT):c.2970+4A>G

Gene: TERT (telomerase reverse transcriptase; minus strand). Cytogenetic location: 5p15.33.
Variant type: single nucleotide variant.
Coding change: c.2970+4A>G on transcript NM_198253.3 (MANE Select); 4 bases into the intron after coding-DNA position 2970, A replaced by G.
Molecular consequence: intron variant.
Genome position (GRCh38, 1-based): chr5:1,260,470, T>C on the plus strand (A>G on the coding strand, the complement: TERT is on the minus strand). VCF-style: chr5-1260470-T-C. GRCh37 (hg19) VCF-style: chr5-1260585-T-C.
Other names: c.2781+4A>G (NM_001193376.3).
Identifiers: ClinVar variation 4784709 (VCV004784709.1).